The following is an entry in ClinVar:

ClinVar aggregate classification (germline): Uncertain significance (1 of 4 stars; one submission).

Conditions:
X-linked severe combined immunodeficiency (SCIDX1). Also called: IMMUNODEFICIENCY 4; SCID, X-LINKED; SEVERE COMBINED IMMUNODEFICIENCY, X-LINKED, T CELL-NEGATIVE, B CELL-POSITIVE, NK CELL-NEGATIVE; X-Linked Combined Immunodeficiency Diseases; T-B+ severe combined immunodeficiency due to gamma chain deficiency. Identifiers: Orphanet 276, MedGen C6022468, MONDO:0010315, OMIM 300400. Disease mechanism: loss of function.

gnomAD v4.1: 2 of 1,210,595 alleles (0.00017%); highest among the groups gnomAD compares: Non-Finnish European, 0.00022%; no homozygotes.

Submission:

Labcorp Genetics (formerly Invitae), Labcorp
Classification: Uncertain significance for X-linked severe combined immunodeficiency. Last evaluated: 2025-02-26. Review status: criteria provided, single submitter. Criteria: Invitae Variant Classification Sherloc (09022015). Collection method: clinical testing. Allele origin: germline.
Comment: This sequence change replaces threonine, which is neutral and polar, with asparagine, which is neutral and polar, at codon 83 of the IL2RG protein (p.Thr83Asn). This variant is not present in population databases (gnomAD no frequency). This variant has not been reported in the literature in individuals affected with IL2RG-related conditions. Invitae Evidence Modeling of protein sequence and biophysical properties (such as structural, functional, and spatial information, amino acid conservation, physicochemical variation, residue mobility, and thermodynamic stability) indicates that this missense variant is expected to disrupt IL2RG protein function with a positive predictive value of 95%. In summary, the available evidence is currently insufficient to determine the role of this variant in disease. Therefore, it has been classified as a Variant of Uncertain Significance.

NM_000206.3(IL2RG):c.248C>A (p.Thr83Asn)

Gene: IL2RG (interleukin 2 receptor subunit gamma; minus strand). Cytogenetic location: Xq13.1.
Variant type: single nucleotide variant.
Coding change: c.248C>A on transcript NM_000206.3 (MANE Select); coding-DNA position 248, C replaced by A.
Protein change: p.Thr83Asn; replaces threonine 83 with asparagine.
Molecular consequence: missense variant.
Genome position (GRCh38, 1-based): chrX:71,110,918, G>T on the plus strand (C>A on the coding strand, the complement: IL2RG is on the minus strand). VCF-style: chrX-71110918-G-T. GRCh37 (hg19) VCF-style: chrX-70330768-G-T.
Other names: short protein forms T83N.
Identifiers: ClinVar variation 3697871 (VCV003697871.2).